The following is an entry in ClinVar:

ClinVar aggregate classification (germline): Uncertain significance (1 of 4 stars; one submission).

Conditions:
Luscan-Lumish syndrome. Identifiers: Orphanet 597738, MedGen C4085873, MONDO:0014791, OMIM 616831.

Submission:

Labcorp Genetics (formerly Invitae), Labcorp
Classification: Uncertain significance for Luscan-Lumish syndrome. Last evaluated: 2022-02-03. Review status: criteria provided, single submitter. Criteria: Invitae Variant Classification Sherloc (09022015). Collection method: clinical testing. Allele origin: germline.
Comment: This variant is not present in population databases (gnomAD no frequency). This sequence change replaces tyrosine, which is neutral and polar, with serine, which is neutral and polar, at codon 446 of the SETD2 protein (p.Tyr446Ser). In summary, the available evidence is currently insufficient to determine the role of this variant in disease. Therefore, it has been classified as a Variant of Uncertain Significance. Algorithms developed to predict the effect of missense changes on protein structure and function are either unavailable or do not agree on the potential impact of this missense change (SIFT: "Tolerated"; PolyPhen-2: "Probably Damaging"; Align-GVGD: "Class C0"). ClinVar contains an entry for this variant (Variation ID: 658715). This variant has not been reported in the literature in individuals affected with SETD2-related conditions.

NM_014159.7(SETD2):c.1337A>C (p.Tyr446Ser)

Gene: SETD2 (SET domain containing 2, histone lysine methyltransferase; minus strand). Cytogenetic location: 3p21.31.
Variant type: single nucleotide variant.
Coding change: c.1337A>C on transcript NM_014159.7 (MANE Select); coding-DNA position 1337, A replaced by C.
Protein change: p.Tyr446Ser; replaces tyrosine 446 with serine.
Molecular consequence: missense variant. On other transcripts: non-coding transcript variant (1).
Genome position (GRCh38, 1-based): chr3:47,123,299, T>G on the plus strand (A>C on the coding strand, the complement: SETD2 is on the minus strand). VCF-style: chr3-47123299-T-G. GRCh37 (hg19) VCF-style: chr3-47164789-T-G.
Other names: c.1205A>C, p.Tyr402Ser (NM_001349370.3); short protein forms Y402S, Y446S.
Identifiers: ClinVar variation 658715 (VCV000658715.5), dbSNP rs1575817748, ClinGen allele CA352531133.